The following is an entry in ClinVar:

ClinVar aggregate classification (germline): Uncertain significance. Review status: criteria provided, multiple submitters, no conflicts (2 of 4 stars). 4 submissions from 4 submitters: Uncertain significance (4). Last evaluated 2025-10-15.

Conditions:
Inborn genetic diseases. Identifiers: MedGen C0950123, MeSH D030342.
Developmental and epileptic encephalopathy, 23 (DEE23). Also called: Epileptic encephalopathy, early infantile, 23. Identifiers: Orphanet 411986, MedGen C4014492, MONDO:0014371, OMIM 615859.

Allele frequency attached by ClinVar (database versions not stated): gnomAD 0.00001; TOPMed 0.00003; ESP Exome Variant Server 0.00008.
gnomAD v4.1: 67 of 1,613,824 alleles (0.0042%); highest among the groups gnomAD compares: Non-Finnish European, 0.0051%; no homozygotes.

Submissions (4):

Ambry Genetics
Classification: Uncertain significance for Inborn genetic diseases. Last evaluated: 2025-10-15. Review status: criteria provided, single submitter. Criteria: Ambry Variant Classification Scheme 2023. Collection method: clinical testing. Allele origin: germline.

GeneDx
Classification: Uncertain significance. Last evaluated: 2025-06-28. Review status: criteria provided, single submitter. Criteria: GeneDx Variant Classification Process June 2021. Collection method: clinical testing. Allele origin: germline.
Comment: Not observed at significant frequency in large population cohorts (gnomAD); In silico analysis suggests that this missense variant does not alter protein structure/function; Has not been previously published as pathogenic or benign to our knowledge

Mayo Clinic Laboratories, Mayo Clinic
Classification: Uncertain significance. Last evaluated: 2022-08-09. Review status: criteria provided, single submitter. Criteria: ACMG Guidelines, 2015. Collection method: clinical testing. Allele origin: germline. Observed: 1 variant allele.
Comment: BP4, PM2

Labcorp Genetics (formerly Invitae), Labcorp
Classification: Uncertain significance for Developmental and epileptic encephalopathy, 23. Last evaluated: 2022-07-25. Review status: criteria provided, single submitter. Criteria: Invitae Variant Classification Sherloc (09022015). Collection method: clinical testing. Allele origin: germline.
Comment: This sequence change replaces asparagine, which is neutral and polar, with serine, which is neutral and polar, at codon 1970 of the DOCK7 protein (p.Asn1970Ser). This variant is present in population databases (rs145796299, gnomAD 0.01%). This variant has not been reported in the literature in individuals affected with DOCK7-related conditions. Algorithms developed to predict the effect of missense changes on protein structure and function (SIFT, PolyPhen-2, Align-GVGD) all suggest that this variant is likely to be tolerated. In summary, the available evidence is currently insufficient to determine the role of this variant in disease. Therefore, it has been classified as a Variant of Uncertain Significance.

NM_001367561.1(DOCK7):c.5942A>G (p.Asn1981Ser)

Gene: DOCK7 (dedicator of cytokinesis 7; minus strand). Cytogenetic location: 1p31.3.
Variant type: single nucleotide variant.
Coding change: c.5942A>G on transcript NM_001367561.1 (MANE Select); coding-DNA position 5942, A replaced by G.
Protein change: p.Asn1981Ser; replaces asparagine 1981 with serine.
Molecular consequence: missense variant.
Genome position (GRCh38, 1-based): chr1:62,475,726, T>C on the plus strand (A>G on the coding strand, the complement: DOCK7 is on the minus strand). VCF-style: chr1-62475726-T-C. GRCh37 (hg19) VCF-style: chr1-62941397-T-C.
Other names: p.Asn1970Ser; c.5909A>G (NM_001271999.1); c.5849A>G (NM_033407.2); c.5909A>G, p.Asn1970Ser (NM_001271999.2); c.5822A>G, p.Asn1941Ser (NM_001272000.2); c.5816A>G, p.Asn1939Ser (NM_001272001.2); c.5915A>G, p.Asn1972Ser (NM_001330614.2); c.5849A>G, p.Asn1950Ser (NM_033407.4); short protein forms N1939S, N1941S, N1950S, N1970S, N1972S, N1981S.
Identifiers: ClinVar variation 2155426 (VCV002155426.5), dbSNP rs145796299, ClinGen allele CA885336.
Genomic context (GRCh38, chr1:62,475,726, plus strand): 5'-TATTTGCTTCACTAATGCTGTTTGCCCATTAATGGACTTACCTCTTCTTTATGAGTGACA[T>C]TGACCCTTGTTTTAATATAAGGAAAGGCATGAGACGTAGTCAGAATGGTCTTCCTTTTGA-3'
Protein context (NP_001354490.1, residues 1971-1991): HAFPYIKTRV[Asn1981Ser]VTHKEEIILT